The following is an entry in ClinVar:

NM_006265.3(RAD21):c.827A>G (p.Asp276Gly)

Gene: RAD21 (RAD21 cohesin complex component; minus strand). Cytogenetic location: 8q24.11.
Variant type: single nucleotide variant.
Coding change: c.827A>G on transcript NM_006265.3 (MANE Select); coding-DNA position 827, A replaced by G.
Protein change: p.Asp276Gly; replaces aspartic acid 276 with glycine.
Molecular consequence: missense variant.
Genome position (GRCh38, 1-based): chr8:116,856,276, T>C on the plus strand (A>G on the coding strand, the complement: RAD21 is on the minus strand). VCF-style: chr8-116856276-T-C. GRCh37 (hg19) VCF-style: chr8-117868515-T-C.
Other names: short protein forms D276G.
Identifiers: ClinVar variation 1317419 (VCV001317419.5), dbSNP rs373856995, ClinGen allele CA184270621.

ClinVar aggregate classification (germline): Uncertain significance. Review status: criteria provided, multiple submitters, no conflicts (2 of 4 stars). 2 submissions from 2 submitters: Uncertain significance (2). Last evaluated 2023-09-06.

Conditions:
Mungan syndrome (MGS). Identifiers: MedGen C1969653, MONDO:0012657, OMIM 611376.
Cornelia de Lange syndrome 4 (CDLS4). Also called: RAD21-Related Cornelia de Lange Syndrome; CORNELIA DE LANGE SYNDROME 4 WITH OR WITHOUT MIDLINE BRAIN DEFECTS. Identifiers: Orphanet 199, MedGen C3553517, MONDO:0013864, OMIM 614701.

Allele frequency attached by ClinVar (database versions not stated): gnomAD exomes below 0.00001; ESP Exome Variant Server 0.00008.
gnomAD v4.1: 5 of 1,478,946 alleles (0.00034%); highest among the groups gnomAD compares: East Asian, 0.01%; no homozygotes.

Submissions (2):

GeneDx
Classification: Uncertain significance. Last evaluated: 2023-09-06. Review status: criteria provided, single submitter. Criteria: GeneDx Variant Classification Process June 2021. Collection method: clinical testing. Allele origin: germline. Affected: yes.
Comment: Not observed in large population cohorts (gnomAD); In silico analysis, which includes protein predictors and evolutionary conservation, supports that this variant does not alter protein structure/function; Has not been previously published as pathogenic or benign to our knowledge

Department of Pathology and Laboratory Medicine, Sinai Health System
Classification: Uncertain significance for Mungan syndrome; Cornelia de Lange syndrome 4. Last evaluated: 2021-07-30. Review status: criteria provided, single submitter. Criteria: ACMG Guidelines, 2015. Collection method: research. Allele origin: germline.